The following is an entry in ClinVar:

NM_005996.4(TBX3):c.1237C>T (p.Pro413Ser)

Gene: TBX3 (T-box transcription factor 3; minus strand). Cytogenetic location: 12q24.21.
Variant type: single nucleotide variant.
Coding change: c.1237C>T on transcript NM_005996.4 (MANE Select); coding-DNA position 1237, C replaced by T.
Protein change: p.Pro413Ser; replaces proline 413 with serine.
Molecular consequence: missense variant.
Genome position (GRCh38, 1-based): chr12:114,674,638, G>A on the plus strand (C>T on the coding strand, the complement: TBX3 is on the minus strand). VCF-style: chr12-114674638-G-A. GRCh37 (hg19) VCF-style: chr12-115112443-G-A.
Other names: c.1237C>T (NM_005996.3); c.1297C>T, p.Pro433Ser (NM_016569.4); short protein forms P413S, P433S.
Identifiers: ClinVar variation 3058460 (VCV003058460.6), dbSNP rs540908799, ClinGen allele CA6809958.

ClinVar aggregate classification (germline): Uncertain significance. Review status: criteria provided, multiple submitters, no conflicts (2 of 4 stars). 3 submissions from 3 submitters: Uncertain significance (3). Last evaluated 2026-05-26.

Conditions:
TBX3-related disorder. Also called: TBX3-related condition.
Ulnar-mammary syndrome (UMS). Also called: PALLISTER ULNAR-MAMMARY SYNDROME; SCHINZEL SYNDROME; Ulnar-mammary syndrome of Pallister. Identifiers: Orphanet 3138, MedGen C1866994, MONDO:0008411, OMIM 181450.
Inborn genetic diseases. Identifiers: MedGen C0950123, MeSH D030342.

Allele frequency attached by ClinVar (database versions not stated): gnomAD 0.00001; TOPMed 0.00002; ExAC 0.00005; 1000 Genomes Project 30x 0.00016; 1000 Genomes Project 0.00020.

Submissions (3):

PreventionGenetics, part of Exact Sciences
Classification: Uncertain significance for TBX3-related condition. Last evaluated: 2026-05-26. Review status: criteria provided, single submitter. Criteria: ACMG Guidelines, 2015. Collection method: clinical testing. Allele origin: germline.
Comment: The TBX3 c.1297C>T variant is predicted to result in the amino acid substitution p.Pro433Ser. To our knowledge, this variant has not been reported in the literature. This variant is reported in 0.0068% of alleles in individuals of African descent in gnomAD. At this time, the clinical significance of this variant is uncertain due to the absence of conclusive functional and genetic evidence.

Labcorp Genetics (formerly Invitae), Labcorp
Classification: Uncertain significance for Ulnar-mammary syndrome. Last evaluated: 2026-01-26. Review status: criteria provided, single submitter. Criteria: Invitae Variant Classification Sherloc (09022015). Collection method: clinical testing. Allele origin: germline.
Comment: This sequence change replaces proline, which is neutral and non-polar, with serine, which is neutral and polar, at codon 413 of the TBX3 protein (p.Pro413Ser). This variant is present in population databases (rs540908799, gnomAD 0.007%). This variant has not been reported in the literature in individuals affected with TBX3-related conditions. ClinVar contains an entry for this variant (Variation ID: 3058460). An algorithm developed to predict the effect of missense changes on protein structure and function (PolyPhen-2) suggests that this variant is likely to be disruptive. In summary, the available evidence is currently insufficient to determine the role of this variant in disease. Therefore, it has been classified as a Variant of Uncertain Significance.

Ambry Genetics
Classification: Uncertain significance for Inborn genetic diseases. Last evaluated: 2024-10-07. Review status: criteria provided, single submitter. Criteria: Ambry Variant Classification Scheme 2023. Collection method: clinical testing. Allele origin: germline.